The following is an entry in ClinVar:

NM_001084.5(PLOD3):c.1319G>A (p.Arg440His)

Gene: PLOD3 (procollagen-lysine,2-oxoglutarate 5-dioxygenase 3; minus strand). Cytogenetic location: 7q22.1.
Variant type: single nucleotide variant.
Coding change: c.1319G>A on transcript NM_001084.5 (MANE Select); coding-DNA position 1319, G replaced by A.
Protein change: p.Arg440His; replaces arginine 440 with histidine.
Molecular consequence: missense variant.
Genome position (GRCh38, 1-based): chr7:101,211,630, C>T on the plus strand (G>A on the coding strand, the complement: PLOD3 is on the minus strand). VCF-style: chr7-101211630-C-T. GRCh37 (hg19) VCF-style: chr7-100854911-C-T.
Other names: short protein forms R440H.
Identifiers: ClinVar variation 1913068 (VCV001913068.2), dbSNP rs368088563, ClinGen allele CA4407736.

ClinVar aggregate classification (germline): Uncertain significance (1 of 4 stars; one submission).

Allele frequency attached by ClinVar (database versions not stated): gnomAD exomes 0.00003; gnomAD 0.00004; ESP Exome Variant Server 0.00008; ExAC 0.00013; 1000 Genomes Project 30x 0.00016; 1000 Genomes Project 0.00020.
gnomAD v4.1: 49 of 1,606,276 alleles (0.0031%); highest among the groups gnomAD compares: South Asian, 0.0045%; no homozygotes.

Submission:

Labcorp Genetics (formerly Invitae), Labcorp
Classification: Uncertain significance. Last evaluated: 2022-03-18. Review status: criteria provided, single submitter. Criteria: Invitae Variant Classification Sherloc (09022015). Collection method: clinical testing. Allele origin: germline.
Comment: This sequence change replaces arginine, which is basic and polar, with histidine, which is basic and polar, at codon 440 of the PLOD3 protein (p.Arg440His). This variant is present in population databases (rs368088563, gnomAD 0.007%). This variant has not been reported in the literature in individuals affected with PLOD3-related conditions. Algorithms developed to predict the effect of missense changes on protein structure and function (SIFT, PolyPhen-2, Align-GVGD) all suggest that this variant is likely to be disruptive. In summary, the available evidence is currently insufficient to determine the role of this variant in disease. Therefore, it has been classified as a Variant of Uncertain Significance.